The following is an entry in ClinVar:

ClinVar aggregate classification (germline): Uncertain significance (1 of 4 stars; one submission).

Conditions:
Hereditary cancer-predisposing syndrome. Also called: Neoplastic Syndromes, Hereditary; Tumor predisposition; Hereditary neoplastic syndrome; Hereditary Cancer Syndrome. Identifiers: Orphanet 140162, MedGen C0027672, MeSH D009386, MONDO:0015356.

gnomAD v4.1: 2 of 1,613,954 alleles (0.00012%); highest among the groups gnomAD compares: Non-Finnish European, 0.00017%; no homozygotes.

Submission:

Ambry Genetics
Classification: Uncertain significance for Hereditary cancer-predisposing syndrome. Last evaluated: 2026-07-06. Review status: criteria provided, single submitter. Criteria: Ambry Variant Classification Scheme 2023. Collection method: clinical testing. Allele origin: germline.
Comment: The p.S138P variant (also known as c.412T>C), located in coding exon 5 of the MAX gene, results from a T to C substitution at nucleotide position 412. The serine at codon 138 is replaced by proline, an amino acid with similar properties. This amino acid position is conserved. In addition, this alteration is predicted to be deleterious by in silico analysis. Based on the available evidence, the clinical significance of this variant remains unclear.

NM_002382.5(MAX):c.412T>C (p.Ser138Pro)

Gene: MAX (MYC associated transcriptional regulator X; minus strand). Cytogenetic location: 14q23.3.
Variant type: single nucleotide variant.
Coding change: c.412T>C on transcript NM_002382.5 (MANE Select); coding-DNA position 412, T replaced by C.
Protein change: p.Ser138Pro; replaces serine 138 with proline.
Molecular consequence: missense variant. On other transcripts: 3 prime UTR variant (12), non-coding transcript variant (7), intron variant (2).
Genome position (GRCh38, 1-based): chr14:65,076,547, A>G on the plus strand (T>C on the coding strand, the complement: MAX is on the minus strand). VCF-style: chr14-65076547-A-G. GRCh37 (hg19) VCF-style: chr14-65543265-A-G.
Other names: c.*185T>C (NM_001407099.1, NM_001407102.1, NM_001407104.1 and 2 more transcripts); c.*201T>C (NM_001407100.1, NM_001407101.1, NM_001407103.1 and 4 more transcripts); c.223T>C, p.Ser75Pro (NM_001407105.1, NM_001407106.1, NM_001407107.1 and 1 more transcripts); c.211T>C, p.Ser71Pro (NM_001407111.1, NM_001407112.1); c.385T>C, p.Ser129Pro (NM_145112.3, NM_001407095.1); c.144+17161T>C (NM_001271069.2); c.171+17161T>C (NM_197957.4); c.412T>C, p.Ser138Pro (NM_001407094.1); and 1 more; short protein forms S129P, S75P, S102P, S138P, S71P.
Identifiers: ClinVar variation 5023924 (VCV005023924.1).